The following is an entry in ClinVar:

NM_178857.6(RP1L1):c.3616G>A (p.Gly1206Ser)

Gene: RP1L1 (RP1 like 1). Cytogenetic location: 8p23.1.
Variant type: single nucleotide variant.
Coding change: c.3616G>A on transcript NM_178857.6 (MANE Select); coding-DNA position 3616, G replaced by A.
Protein change: p.Gly1206Ser; replaces glycine 1206 with serine.
Molecular consequence: missense variant.
Genome position (GRCh38, 1-based): chr8:10,610,482, C>T on the plus strand (G>A on the coding strand, the complement: RP1L1 is on the minus strand). VCF-style: chr8-10610482-C-T. GRCh37 (hg19) VCF-style: chr8-10467992-C-T.
Other names: short protein forms G1206S.
Identifiers: ClinVar variation 3434906 (VCV003434906.2).
Genomic context (GRCh38, chr8:10,610,482, plus strand): 5'-GTGTCACCAGGGTGCCGTCCATGGCACAGGGTACGCTACTCTCCCCTGAGCCTCCAGAGC[C>T]GCTGCTGATGTCCACACCAGAGGAGGATGTGGGCGTGAAGTTCTCCGTCATGGCATGGGA-3'
Protein context (NP_849188.4, residues 1196-1216): TSSSGVDISS[Gly1206Ser]SGGSGESSVP

ClinVar aggregate classification (germline): Uncertain significance. Review status: criteria provided, multiple submitters, no conflicts (2 of 4 stars). 2 submissions from 2 submitters: Uncertain significance (2). Last evaluated 2025-07-16.

Conditions:
RP1L1-related disorder. Also called: RP1L1-related condition.
Inborn genetic diseases. Identifiers: MedGen C0950123, MeSH D030342.

Submissions (2):

PreventionGenetics, part of Exact Sciences
Classification: Uncertain significance for RP1L1-related condition. Last evaluated: 2025-07-16. Review status: criteria provided, single submitter. Criteria: ACMG Guidelines, 2015. Collection method: clinical testing. Allele origin: germline.
Comment: The RP1L1 c.3616G>A variant is predicted to result in the amino acid substitution p.Gly1206Ser. To our knowledge, this variant has not been reported in the literature. This variant is reported in 0.076% of alleles in individuals of European (Finnish) descent in gnomAD. Although we suspect that this variant may be benign, at this time, the clinical significance of this variant is uncertain due to the absence of conclusive functional and genetic evidence.

Ambry Genetics
Classification: Uncertain significance for Inborn genetic diseases. Last evaluated: 2024-08-05. Review status: criteria provided, single submitter. Criteria: Ambry Variant Classification Scheme 2023. Collection method: clinical testing. Allele origin: germline.